The following is an entry in ClinVar:

NM_005488.3(TOM1):c.1201G>C (p.Ala401Pro)

Gene: TOM1 (target of myb1 membrane trafficking protein; plus strand). Cytogenetic location: 22q12.3.
Variant type: single nucleotide variant.
Coding change: c.1201G>C on transcript NM_005488.3 (MANE Select); coding-DNA position 1201, G replaced by C.
Protein change: p.Ala401Pro; replaces alanine 401 with proline.
Molecular consequence: missense variant. On other transcripts: non-coding transcript variant (3).
Genome position (GRCh38, 1-based): chr22:35,338,765, G>C. VCF-style: chr22-35338765-G-C. GRCh37 (hg19) VCF-style: chr22-35734758-G-C.
Other names: c.1201G>C (NM_001135732.1); c.1102G>C, p.Ala368Pro (NM_001135729.2); c.1066G>C, p.Ala356Pro (NM_001135730.2); c.1201G>C, p.Ala401Pro (NM_001135732.2); short protein forms A356P, A368P, A401P.
Identifiers: ClinVar variation 2653091 (VCV002653091.25), dbSNP rs773071776, ClinGen allele CA411363145.

ClinVar aggregate classification (germline): Uncertain significance. Review status: criteria provided, multiple submitters, no conflicts (2 of 4 stars). 2 submissions from 2 submitters: Uncertain significance (2). Last evaluated 2025-07-03.

gnomAD v4.1: 1 of 1,601,252 alleles (0.000062%); highest among the groups gnomAD compares: Non-Finnish European, 0.000085%; no homozygotes.

Submissions (2):

Ambry Genetics
Classification: Uncertain significance. Last evaluated: 2025-07-03. Review status: criteria provided, single submitter. Criteria: Ambry Variant Classification Scheme 2023. Collection method: clinical testing. Allele origin: germline.

CeGaT Center for Human Genetics Tuebingen
Classification: Uncertain significance. Last evaluated: 2022-09-01. Review status: criteria provided, single submitter. Criteria: CeGaT Center For Human Genetics Tuebingen Variant Classification Criteria Version 2. Collection method: clinical testing. Allele origin: germline. Affected: yes. Observed: 1 variant allele.
Comment: TOM1: PM2